The following is an entry in ClinVar:

NM_032043.3(BRIP1):c.3600T>A (p.His1200Gln)

Gene: BRIP1 (BRCA1 interacting DNA helicase 1; minus strand). Cytogenetic location: 17q23.2.
Variant type: single nucleotide variant.
Coding change: c.3600T>A on transcript NM_032043.3 (MANE Select); coding-DNA position 3600, T replaced by A.
Protein change: p.His1200Gln; replaces histidine 1200 with glutamine.
Molecular consequence: missense variant.
Genome position (GRCh38, 1-based): chr17:61,683,446, A>T on the plus strand (T>A on the coding strand, the complement: BRIP1 is on the minus strand). VCF-style: chr17-61683446-A-T. GRCh37 (hg19) VCF-style: chr17-59760807-A-T.
Other names: short protein forms H1200Q.
Identifiers: ClinVar variation 4533162 (VCV004533162.2).

ClinVar aggregate classification (germline): Uncertain significance. Review status: criteria provided, multiple submitters, no conflicts (2 of 4 stars). 2 submissions from 2 submitters: Uncertain significance (2). Last evaluated 2026-07-07.

Conditions:
Hereditary cancer-predisposing syndrome. Also called: Neoplastic Syndromes, Hereditary; Tumor predisposition; Hereditary Cancer Syndrome; Hereditary neoplastic syndrome. Identifiers: Orphanet 140162, MedGen C0027672, MeSH D009386, MONDO:0015356.

gnomAD v4.1: 1 of 1,613,566 alleles (0.000062%); highest among the groups gnomAD compares: East Asian, 0.0022%; no homozygotes.

Submissions (2):

Ambry Genetics
Classification: Uncertain significance for Hereditary cancer-predisposing syndrome. Last evaluated: 2026-07-07. Review status: criteria provided, single submitter. Criteria: Ambry Variant Classification Scheme 2023. Collection method: clinical testing. Allele origin: germline.
Comment: The p.H1200Q variant (also known as c.3600T>A), located in coding exon 19 of the BRIP1 gene, results from a T to A substitution at nucleotide position 3600. The histidine at codon 1200 is replaced by glutamine, an amino acid with highly similar properties. This amino acid position is conserved. In addition, this alteration is predicted to be tolerated by in silico analysis. Based on the available evidence, the clinical significance of this variant remains unclear.

Quest Diagnostics Nichols Institute San Juan Capistrano
Classification: Uncertain significance. Last evaluated: 2025-02-11. Review status: criteria provided, single submitter. Criteria: Quest Diagnostics criteria. Collection method: clinical testing. Allele origin: unknown.
Comment: The BRIP1 c.3600T>A (p.His1200Gln) variant has been reported in the published literature in a reportedly healthy individual (PMID: 36243179 (2022)). The frequency of this variant in the general population (Genome Aggregation Database) is uninformative in the assessment of its pathogenicity. Analysis of this variant using bioinformatics tools for the prediction of the effect of amino acid changes on protein structure and function yielded predictions that this variant is benign. Based on the available information, we are unable to determine the clinical significance of this variant.

Literature cited by the submitters: PubMed 36243179 (cited by Quest Diagnostics Nichols Institute San Juan Capistrano).